The following is an entry in ClinVar:

NM_001048174.2(MUTYH):c.436T>C (p.Trp146Arg)

Gene: MUTYH (mutY DNA glycosylase; minus strand). Cytogenetic location: 1p34.1.
Variant type: single nucleotide variant.
Coding change: c.436T>C on transcript NM_001048174.2 (MANE Select); coding-DNA position 436, T replaced by C.
Protein change: p.Trp146Arg; replaces tryptophan 146 with arginine.
Molecular consequence: missense variant. On other transcripts: non-coding transcript variant (2).
Genome position (GRCh38, 1-based): chr1:45,332,819, A>G on the plus strand (T>C on the coding strand, the complement: MUTYH is on the minus strand). VCF-style: chr1-45332819-A-G. GRCh37 (hg19) VCF-style: chr1-45798491-A-G.
Other names: c.436T>C, p.Trp146Arg (NM_001048171.2, NM_001048173.2, NM_001293195.2); c.439T>C, p.Trp147Arg (NM_001048172.2); c.520T>C, p.Trp174Arg (NM_001128425.2); c.481T>C, p.Trp161Arg (NM_001293190.2); c.469T>C, p.Trp157Arg (NM_001293191.2); c.160T>C, p.Trp54Arg (NM_001293192.2, NM_001293196.2); c.91T>C, p.Trp31Arg (NM_001350650.2, NM_001350651.2); c.511T>C, p.Trp171Arg (NM_012222.3); short protein forms W146R, W147R, W174R, W54R, W157R, W161R, W171R, W31R.
Identifiers: ClinVar variation 972201 (VCV000972201.13), dbSNP rs1404599487, ClinGen allele CA340135801.

ClinVar aggregate classification (germline): Conflicting classifications of pathogenicity. Review status: criteria provided, conflicting classifications (1 of 4 stars). 3 submissions from 3 submitters: Likely pathogenic (1); Uncertain significance (2). Last evaluated 2026-09-03.

Conditions:
Familial adenomatous polyposis 2. Also called: MUTYH Polyposis; Adenomas, multiple colorectal; MUTYH-associated polyposis; MUTYH-related attenuated familial adenomatous polyposis; COLORECTAL ADENOMATOUS POLYPOSIS, AUTOSOMAL RECESSIVE; ADENOMAS, MULTIPLE COLORECTAL, AUTOSOMAL RECESSIVE. Identifiers: Orphanet 220460, Orphanet 247798, MedGen C3272841, MONDO:0012041, OMIM 608456.
Hereditary cancer-predisposing syndrome. Also called: Tumor predisposition; Hereditary neoplastic syndrome; Neoplastic Syndromes, Hereditary; Hereditary Cancer Syndrome. Identifiers: Orphanet 140162, MedGen C0027672, MeSH D009386, MONDO:0015356.

Allele frequency attached by ClinVar (database versions not stated): gnomAD exomes below 0.00001.

Submissions (3):

Myriad Genetics, Inc.
Classification: Likely pathogenic for Familial adenomatous polyposis 2. Last evaluated: 2026-09-03. Review status: criteria provided, single submitter. Criteria: Myriad Autosomal Dominant, Autosomal Recessive and X-Linked Classification Criteria (2023). Collection method: clinical testing. Allele origin: unknown.
Comment: This variant is considered likely pathogenic. Functional studies indicate this variant impacts protein function [PMID: 40738107]. This variant is expected to disrupt protein structure [Myriad internal data].

Labcorp Genetics (formerly Invitae), Labcorp
Classification: Uncertain significance for Familial adenomatous polyposis 2. Last evaluated: 2020-11-16. Review status: criteria provided, single submitter. Criteria: Invitae Variant Classification Sherloc (09022015). Collection method: clinical testing. Allele origin: germline.
Comment: Algorithms developed to predict the effect of missense changes on protein structure and function (SIFT, PolyPhen-2, Align-GVGD) all suggest that this variant is likely to be disruptive, but these predictions have not been confirmed by published functional studies and their clinical significance is uncertain. In summary, the available evidence is currently insufficient to determine the role of this variant in disease. Therefore, it has been classified as a Variant of Uncertain Significance. This variant has not been reported in the literature in individuals with MUTYH-related conditions. This variant is not present in population databases (ExAC no frequency). This sequence change replaces tryptophan with arginine at codon 174 of the MUTYH protein (p.Trp174Arg). The tryptophan residue is highly conserved and there is a moderate physicochemical difference between tryptophan and arginine.

Ambry Genetics
Classification: Uncertain significance for Hereditary cancer-predisposing syndrome. Last evaluated: 2019-12-19. Review status: criteria provided, single submitter. Criteria: Ambry Variant Classification Scheme 2023. Collection method: clinical testing. Allele origin: germline.
Comment: The p.W174R variant (also known as c.520T>C), located in coding exon 7 of the MUTYH gene, results from a T to C substitution at nucleotide position 520. The tryptophan at codon 174 is replaced by arginine, an amino acid with dissimilar properties. This amino acid position is highly conserved in available vertebrate species. In addition, this alteration is predicted to be tolerated by in silico analysis. Since supporting evidence is limited at this time, the clinical significance of this alteration remains unclear.

Literature cited by the submitters: PubMed 40738107 (cited by Myriad Genetics, Inc.).